The following is an entry in ClinVar:

ClinVar aggregate classification (germline): Uncertain significance (1 of 4 stars; one submission).

Submission:

Labcorp Genetics (formerly Invitae), Labcorp
Classification: Uncertain significance. Last evaluated: 2022-07-12. Review status: criteria provided, single submitter. Criteria: Invitae Variant Classification Sherloc (09022015). Collection method: clinical testing. Allele origin: germline.
Comment: A copy number gain of the genomic region encompassing the full coding sequence of the KANK2 gene has been identified. The boundaries of this event are unknown as they extend beyond the assayed region for this gene and therefore may encompass additional genes. As the precise location of this event is unknown, it may be in tandem or it may be located elsewhere in the genome. This variant has not been reported in the literature in individuals affected with KANK2-related conditions. In summary, the available evidence is currently insufficient to determine the role of this variant in disease. Therefore, it has been classified as a Variant of Uncertain Significance.

NC_000019.9:g.(?_11277234)_(13249220_?)dup

Genes: ZNF442 (zinc finger protein 442; minus strand), ZNF653 (zinc finger protein 653; minus strand), ZNF69 (zinc finger protein 69; plus strand), ZNF625 (zinc finger protein 625; minus strand), ZNF627 (zinc finger protein 627; plus strand) and 65 more. Cytogenetic location: 19p13.2.
Variant type: Duplication.
Identifiers: ClinVar variation 2423817 (VCV002423817.3).